The following is an entry in ClinVar:

ClinVar aggregate classification (germline): Likely benign (1 of 4 stars; one submission).

Allele frequency attached by ClinVar (database versions not stated): ExAC 0.00003.

Submission:

CeGaT Center for Human Genetics Tuebingen
Classification: Likely benign. Last evaluated: 2026-06-01. Review status: criteria provided, single submitter. Criteria: CeGaT Center For Human Genetics Tuebingen Variant Classification Criteria Version 2. Collection method: clinical testing. Allele origin: germline. Affected: yes. Observed: 4 variant alleles.
Comment: FMN2: BP4, BP7

NM_020066.5(FMN2):c.2811A>T (p.Leu937=)

Gene: FMN2 (formin 2; plus strand). Cytogenetic location: 1q43.
Variant type: single nucleotide variant.
Coding change: c.2811A>T on transcript NM_020066.5 (MANE Select); coding-DNA position 2811, A replaced by T.
Protein change: p.Leu937=; no amino-acid change (leucine 937 retained).
Molecular consequence: synonymous variant. On other transcripts: intron variant (1).
Genome position (GRCh38, 1-based): chr1:240,207,623, A>T. VCF-style: chr1-240207623-A-T. GRCh37 (hg19) VCF-style: chr1-240370923-A-T.
Other names: c.2823A>T, p.Leu941= (NM_001305424.2); c.1986+19361A>T (NM_001348094.2).
Identifiers: ClinVar variation 3025354 (VCV003025354.22), dbSNP rs756619372, ClinGen allele CA1476764.